The following is an entry in ClinVar:

NM_000482.4(APOA4):c.814G>A (p.Glu272Lys)

Gene: APOA4 (apolipoprotein A4; minus strand). Cytogenetic location: 11q23.3.
Variant type: single nucleotide variant.
Coding change: c.814G>A on transcript NM_000482.4 (MANE Select); coding-DNA position 814, G replaced by A.
Protein change: p.Glu272Lys; replaces glutamic acid 272 with lysine.
Molecular consequence: missense variant.
Genome position (GRCh38, 1-based): chr11:116,821,244, C>T on the plus strand (G>A on the coding strand, the complement: APOA4 is on the minus strand). VCF-style: chr11-116821244-C-T. GRCh37 (hg19) VCF-style: chr11-116691960-C-T.
Other names: short protein forms E272K.
Identifiers: ClinVar variation 2413708 (VCV002413708.6), dbSNP rs1366912241, ClinGen allele CA382700206.

ClinVar aggregate classification (germline): Uncertain significance (1 of 4 stars; one submission).

Allele frequency attached by ClinVar (database versions not stated): gnomAD exomes 0.00001; gnomAD 0.00007.
gnomAD v4.1: 29 of 1,612,940 alleles (0.0018%); highest among the groups gnomAD compares: Admixed American, 0.02%; no homozygotes.

Submission:

Labcorp Genetics (formerly Invitae), Labcorp
Classification: Uncertain significance. Last evaluated: 2022-05-27. Review status: criteria provided, single submitter. Criteria: Invitae Variant Classification Sherloc (09022015). Collection method: clinical testing. Allele origin: germline.
Comment: This sequence change replaces glutamic acid, which is acidic and polar, with lysine, which is basic and polar, at codon 272 of the APOA4 protein (p.Glu272Lys). This variant is present in population databases (no rsID available, gnomAD 0.009%). This variant has not been reported in the literature in individuals affected with APOA4-related conditions. Algorithms developed to predict the effect of missense changes on protein structure and function output the following: SIFT: "Deleterious"; PolyPhen-2: "Benign"; Align-GVGD: "Class C0". The lysine amino acid residue is found in multiple mammalian species, which suggests that this missense change does not adversely affect protein function. In summary, the available evidence is currently insufficient to determine the role of this variant in disease. Therefore, it has been classified as a Variant of Uncertain Significance.